The following is an entry in ClinVar:

ClinVar aggregate classification (germline): Uncertain significance (1 of 4 stars; one submission).

Conditions:
Hereditary cancer-predisposing syndrome. Also called: Neoplastic Syndromes, Hereditary; Tumor predisposition; Hereditary Cancer Syndrome; Hereditary neoplastic syndrome. Identifiers: Orphanet 140162, MedGen C0027672, MeSH D009386, MONDO:0015356.

gnomAD v4.1: 4 of 1,613,396 alleles (0.00025%); highest among the groups gnomAD compares: South Asian, 0.0033%; no homozygotes.

Submission:

Ambry Genetics
Classification: Uncertain significance for Hereditary cancer-predisposing syndrome. Last evaluated: 2024-11-16. Review status: criteria provided, single submitter. Criteria: Ambry Variant Classification Scheme 2023. Collection method: clinical testing. Allele origin: germline.
Comment: The p.E239K variant (also known as c.715G>A), located in coding exon 5 of the RAD50 gene, results from a G to A substitution at nucleotide position 715. The glutamic acid at codon 239 is replaced by lysine, an amino acid with similar properties. This amino acid position is conserved. In addition, this alteration is predicted to be tolerated by in silico analysis. Based on the available evidence, the clinical significance of this variant remains unclear.

NM_005732.4(RAD50):c.715G>A (p.Glu239Lys)

Gene: RAD50 (RAD50 double strand break repair protein; plus strand). Cytogenetic location: 5q31.1.
Variant type: single nucleotide variant.
Coding change: c.715G>A on transcript NM_005732.4 (MANE Select); coding-DNA position 715, G replaced by A.
Protein change: p.Glu239Lys; replaces glutamic acid 239 with lysine.
Molecular consequence: missense variant.
Genome position (GRCh38, 1-based): chr5:132,580,025, G>A. VCF-style: chr5-132580025-G-A. GRCh37 (hg19) VCF-style: chr5-131915717-G-A.
Other names: short protein forms E239K.
Identifiers: ClinVar variation 3429529 (VCV003429529.1).